The following is an entry in ClinVar:

NC_000009.12:g.35658037A>G

Gene: RMRP (RNA component of mitochondrial RNA processing endoribonuclease; minus strand). Cytogenetic location: 9p13.3.
Variant type: single nucleotide variant.
Genome position: GRCh38 VCF-style: chr9-35658037-A-G. GRCh37 (hg19) VCF-style: chr9-35658034-A-G.
Identifiers: ClinVar variation 1481237 (VCV001481237.3), dbSNP rs1410018354, ClinGen allele CA1123200031.

ClinVar aggregate classification (germline): Uncertain significance (1 of 4 stars; one submission).

Conditions:
Anauxetic dysplasia. Identifiers: Orphanet 93347, MedGen C1846796, MONDO:0011773.

Submission:

Labcorp Genetics (formerly Invitae), Labcorp
Classification: Uncertain significance for Anauxetic dysplasia. Last evaluated: 2022-07-19. Review status: criteria provided, single submitter. Criteria: Invitae Variant Classification Sherloc (09022015). Collection method: clinical testing. Allele origin: germline.
Comment: This variant occurs in the RMRP gene, which encodes an RNA molecule that does not result in a protein product. This variant is not present in population databases (gnomAD no frequency). This variant has not been reported in the literature in individuals affected with RMRP-related conditions. In summary, the available evidence is currently insufficient to determine the role of this variant in disease. Therefore, it has been classified as a Variant of Uncertain Significance.